The following is an entry in ClinVar:

NM_004714.3(DYRK1B):c.300C>T (p.Ile100=)

Gene: DYRK1B (dual specificity tyrosine phosphorylation regulated kinase 1B; minus strand). Cytogenetic location: 19q13.2.
Variant type: single nucleotide variant.
Coding change: c.300C>T on transcript NM_004714.3 (MANE Select); coding-DNA position 300, C replaced by T.
Protein change: p.Ile100=; no amino-acid change (isoleucine 100 retained).
Molecular consequence: synonymous variant.
Genome position (GRCh38, 1-based): chr19:39,830,447, G>A on the plus strand (C>T on the coding strand, the complement: DYRK1B is on the minus strand). VCF-style: chr19-39830447-G-A. GRCh37 (hg19) VCF-style: chr19-40321087-G-A.
Other names: c.300C>T, p.Ile100= (NM_006483.3, NM_006484.3).
Identifiers: ClinVar variation 709099 (VCV000709099.7), dbSNP rs371524346, ClinGen allele CA9434368.

ClinVar aggregate classification (germline): Likely benign. Review status: criteria provided, multiple submitters, no conflicts (2 of 4 stars). 3 submissions from 3 submitters: Likely benign (2). 1 of the submissions does not count toward it. Last evaluated 2025-11-16.

Conditions:
DYRK1B-related disorder. Also called: DYRK1B-related condition.

Allele frequency attached by ClinVar (database versions not stated): ExAC 0.00002; gnomAD exomes 0.00002 and 0.00003; ESP Exome Variant Server 0.00008; gnomAD 0.00008 and 0.00009; TOPMed 0.00010.
gnomAD v4.1: 46 of 1,614,100 alleles (0.0028%); highest among the groups gnomAD compares: African/African-American, 0.02%; no homozygotes.

Submissions (3):

Labcorp Genetics (formerly Invitae), Labcorp
Classification: Likely benign. Last evaluated: 2025-11-16. Review status: criteria provided, single submitter. Criteria: Invitae Variant Classification Sherloc (09022015). Collection method: clinical testing. Allele origin: germline.

Blueprint Genetics
Classification: Likely benign. Last evaluated: 2024-07-29. Review status: criteria provided, single submitter. Criteria: ACMG Guidelines, 2015. Collection method: clinical testing. Allele origin: germline.

PreventionGenetics, part of Exact Sciences
Classification: Likely benign for DYRK1B-related condition. Last evaluated: 2021-08-25. Review status: no assertion criteria provided. Collection method: clinical testing. Allele origin: germline. Not counted in ClinVar's aggregate classification.
Comment: This variant is classified as likely benign based on ACMG/AMP sequence variant interpretation guidelines (Richards et al. 2015 PMID: 25741868, with internal and published modifications).